The following is an entry in ClinVar:

NM_001242957.3(MAK):c.1136_1139dup (p.Thr381fs)

Gene: MAK (male germ cell associated kinase; minus strand). Cytogenetic location: 6p24.2.
Variant type: Duplication.
Coding change: c.1136_1139dup on transcript NM_001242957.3 (MANE Select); coding-DNA positions 1136 to 1139, 4 bases duplicated (TGCC; older notation c.1136_1139dupTGCC).
Protein change: p.Thr381fs; shifts the reading frame from threonine 381.
Molecular consequence: frameshift variant. On other transcripts: non-coding transcript variant (2).
Genome position (GRCh38, 1-based): chr6:10,796,002-10,796,005, GGCA duplicated on the plus strand (TGCC on the coding strand, the reverse complement: MAK is on the minus strand). VCF-style (leftmost placement, unchanged base first): chr6-10796001-T-TGGCA. GRCh37 (hg19) VCF-style: chr6-10796234-T-TGGCA.
Other names: c.1136_1139dup, p.Thr381fs (NM_001242385.2, NM_005906.6); c.1034_1037dup, p.Thr347fs (NM_001377262.1); short protein forms T347fs, T381fs.
Identifiers: ClinVar variation 2713022 (VCV002713022.3), dbSNP rs2532425163, ClinGen allele CA2677307233.

ClinVar aggregate classification (germline): Pathogenic (1 of 4 stars; one submission).

Allele frequency attached by ClinVar (database versions not stated): gnomAD exomes 0.00001.

Submission:

Labcorp Genetics (formerly Invitae), Labcorp
Classification: Pathogenic. Last evaluated: 2023-06-14. Review status: criteria provided, single submitter. Criteria: Invitae Variant Classification Sherloc (09022015). Collection method: clinical testing. Allele origin: germline.
Comment: For these reasons, this variant has been classified as Pathogenic. This variant has not been reported in the literature in individuals affected with MAK-related conditions. This variant is not present in population databases (gnomAD no frequency). This sequence change creates a premature translational stop signal (p.Thr381Alafs*3) in the MAK gene. It is expected to result in an absent or disrupted protein product. Loss-of-function variants in MAK are known to be pathogenic (PMID: 21148103, 21825139, 24938718, 29781741).

Literature cited by the submitters: PubMed 21148103; PubMed 21825139; PubMed 24938718; PubMed 29781741.